The following is an entry in ClinVar:

ClinVar aggregate classification (germline): Uncertain significance (1 of 4 stars; one submission).

Conditions:
Symmetrical dyschromatosis of extremities (DSH). Also called: RETICULATE ACROPIGMENTATION OF DOHI; SYMMETRIC DYSCHROMATOSIS OF THE EXTREMITIES; DYSCHROMATOSIS SYMMETRICA HEREDITARIA 1; Dyschromatosis symmetrica hereditaria. Identifiers: Orphanet 41, MedGen C0406775, MONDO:0007483, OMIM 127400.
Aicardi-Goutieres syndrome 6 (AGS6). Identifiers: Orphanet 51, MedGen C3539013, MONDO:0014007, OMIM 615010.

Allele frequency attached by ClinVar (database versions not stated): gnomAD exomes 0.00001 and below 0.00001; TOPMed below 0.00001.
gnomAD v4.1: 12 of 1,614,164 alleles (0.00074%); highest among the groups gnomAD compares: Non-Finnish European, 0.00068%; no homozygotes.

Submission:

Labcorp Genetics (formerly Invitae), Labcorp
Classification: Uncertain significance for Aicardi-Goutieres syndrome 6; Symmetrical dyschromatosis of extremities. Last evaluated: 2025-12-22. Review status: criteria provided, single submitter. Criteria: Invitae Variant Classification Sherloc (09022015). Collection method: clinical testing. Allele origin: germline.
Comment: This sequence change replaces arginine, which is basic and polar, with histidine, which is basic and polar, at codon 1190 of the ADAR protein (p.Arg1190His). This variant is present in population databases (no rsID available, gnomAD 0.004%). This variant has not been reported in the literature in individuals affected with ADAR-related conditions. ClinVar contains an entry for this variant (Variation ID: 1373038). Invitae Evidence Modeling of protein sequence and biophysical properties (such as structural, functional, and spatial information, amino acid conservation, physicochemical variation, residue mobility, and thermodynamic stability) indicates that this missense variant is not expected to disrupt ADAR protein function with a negative predictive value of 80%. In summary, the available evidence is currently insufficient to determine the role of this variant in disease. Therefore, it has been classified as a Variant of Uncertain Significance.

NM_001111.5(ADAR):c.3569G>A (p.Arg1190His)

Gene: ADAR (adenosine deaminase RNA specific; minus strand). Cytogenetic location: 1q21.3.
Variant type: single nucleotide variant.
Coding change: c.3569G>A on transcript NM_001111.5 (MANE Select); coding-DNA position 3569, G replaced by A.
Protein change: p.Arg1190His; replaces arginine 1190 with histidine.
Molecular consequence: missense variant.
Genome position (GRCh38, 1-based): chr1:154,584,918, C>T on the plus strand (G>A on the coding strand, the complement: ADAR is on the minus strand). VCF-style: chr1-154584918-C-T. GRCh37 (hg19) VCF-style: chr1-154557394-C-T.
Other names: c.2684G>A, p.Arg895His (NM_001193495.2, NM_001365046.1, NM_001365047.1 and 2 more transcripts); c.3596G>A, p.Arg1199His (NM_001365045.1); c.2606G>A, p.Arg869His (NM_001365049.1); c.3491G>A, p.Arg1164His (NM_015840.4); c.3434G>A, p.Arg1145His (NM_015841.4); short protein forms R1199H, R895H, R1145H, R869H, R1164H, R1190H.
Identifiers: ClinVar variation 1373038 (VCV001373038.8), dbSNP rs1302098873, ClinGen allele CA342634676.